The following is an entry in ClinVar:

ClinVar aggregate classification (germline): Uncertain significance (1 of 4 stars; one submission).

Conditions:
Cardiovascular phenotype. Identifiers: MedGen CN230736.

Allele frequency attached by ClinVar (database versions not stated): gnomAD exomes below 0.00001; ExAC 0.00001; ESP Exome Variant Server 0.00008.
gnomAD v4.1: 6 of 1,613,594 alleles (0.00037%); highest among the groups gnomAD compares: East Asian, 0.0022%; no homozygotes.

Submission:

Ambry Genetics
Classification: Uncertain significance for Cardiovascular phenotype. Last evaluated: 2023-12-12. Review status: criteria provided, single submitter. Criteria: Ambry Variant Classification Scheme 2023. Collection method: clinical testing. Allele origin: germline.
Comment: The p.R12H variant (also known as c.35G>A), located in coding exon 1 of the TECRL gene, results from a G to A substitution at nucleotide position 35. The arginine at codon 12 is replaced by histidine, an amino acid with highly similar properties. This amino acid position is conserved. In addition, this alteration is predicted to be tolerated by in silico analysis. Since supporting evidence is limited at this time, the clinical significance of this alteration remains unclear.

NM_001010874.5(TECRL):c.35G>A (p.Arg12His)

Gene: TECRL (trans-2,3-enoyl-CoA reductase like; minus strand). Cytogenetic location: 4q13.1.
Variant type: single nucleotide variant.
Coding change: c.35G>A on transcript NM_001010874.5 (MANE Select); coding-DNA position 35, G replaced by A.
Protein change: p.Arg12His; replaces arginine 12 with histidine.
Molecular consequence: missense variant.
Genome position (GRCh38, 1-based): chr4:64,409,317, C>T on the plus strand (G>A on the coding strand, the complement: TECRL is on the minus strand). VCF-style: chr4-64409317-C-T. GRCh37 (hg19) VCF-style: chr4-65275035-C-T.
Other names: c.35G>A, p.Arg12His (NM_001363796.1); short protein forms R12H.
Identifiers: ClinVar variation 3232340 (VCV003232340.1), dbSNP rs376067868, ClinGen allele CA2935711.
Genomic context (GRCh38, chr4:64,409,317, plus strand): 5'-TTTCTCATATCATCCTTCAGTATGAACCGTGTAGCTCTTTGGGAAAGTAATGCTCTCTTG[C>T]GTTCCGAAGCGAGGGACTTGTGCCTTTTGAACATTGTGTGAACTAAGAGGAGGGTCTGTC-3'
Protein context (NP_001010874.2, residues 2-22): FKRHKSLASE[Arg12His]KRALLSQRAT